The following is an entry in ClinVar:

NM_145649.5(GCNT2):c.735T>A (p.Ile245=)

Gene: GCNT2 (glucosaminyl (N-acetyl) transferase 2 (I blood group); plus strand). Cytogenetic location: 6p24.3.
Variant type: single nucleotide variant.
Coding change: c.735T>A on transcript NM_145649.5 (MANE Select); coding-DNA position 735, T replaced by A.
Protein change: p.Ile245=; no amino-acid change (isoleucine 245 retained).
Molecular consequence: synonymous variant.
Genome position (GRCh38, 1-based): chr6:10,529,646, T>A. VCF-style: chr6-10529646-T-A. GRCh37 (hg19) VCF-style: chr6-10529879-T-A.
Other names: c.735T>A, p.Ile245= (NM_001374747.1).
Identifiers: ClinVar variation 4986712 (VCV004986712.1).

ClinVar aggregate classification (germline): Likely benign (1 of 4 stars; one submission).

Conditions:
GCNT2-related disorder. Also called: GCNT2-related condition.

gnomAD v4.1: 23 of 1,613,898 alleles (0.0014%); highest among the groups gnomAD compares: Middle Eastern, 0.049%; no homozygotes.

Submission:

PreventionGenetics, part of Exact Sciences
Classification: Likely benign for GCNT2-related condition. Last evaluated: 2025-10-13. Review status: criteria provided, single submitter. Criteria: ACMG Guidelines, 2015. Collection method: clinical testing. Allele origin: germline.
Comment: This variant is classified as likely benign based on ACMG/AMP sequence variant interpretation guidelines (Richards et al. 2015 PMID: 25741868, with internal and published modifications).